The following is an entry in ClinVar:

ClinVar aggregate classification (germline): Likely pathogenic (1 of 4 stars; one submission).

Allele frequency attached by ClinVar (database versions not stated): TOPMed 0.00001.
gnomAD v4.1: 1 of 1,613,832 alleles (0.000062%); highest among the groups gnomAD compares: Non-Finnish European, 0.000085%; no homozygotes.

Submission:

Labcorp Genetics (formerly Invitae), Labcorp
Classification: Likely pathogenic. Last evaluated: 2022-02-03. Review status: criteria provided, single submitter. Criteria: Invitae Variant Classification Sherloc (09022015). Collection method: clinical testing. Allele origin: germline.
Comment: This sequence change replaces arginine, which is basic and polar, with glycine, which is neutral and non-polar, at codon 269 of the EIF2B5 protein (p.Arg269Gly). This variant is present in population databases (rs113994058, gnomAD 0.007%). This missense change has been observed in individual(s) with leukoencephalopathy with vanishing white matter (PMID: 15776425). Advanced modeling of protein sequence and biophysical properties (such as structural, functional, and spatial information, amino acid conservation, physicochemical variation, residue mobility, and thermodynamic stability) performed at Invitae indicates that this missense variant is expected to disrupt EIF2B5 protein function. Experimental studies have shown that this missense change does not substantially affect EIF2B5 function (PMID: 21560189). This variant disrupts the p.Arg269 amino acid residue in EIF2B5. Other variant(s) that disrupt this residue have been determined to be pathogenic (PMID: 16864840, 19158808, 29933199). This suggests that this residue is clinically significant, and that variants that disrupt this residue are likely to be disease-causing. In summary, the currently available evidence indicates that the variant is pathogenic, but additional data are needed to prove that conclusively. Therefore, this variant has been classified as Likely Pathogenic.

Literature cited by the submitters: PubMed 15776425; PubMed 21560189; PubMed 16864840; PubMed 19158808; PubMed 29933199.

NM_003907.3(EIF2B5):c.805C>G (p.Arg269Gly)

Gene: EIF2B5 (eukaryotic translation initiation factor 2B subunit epsilon; plus strand). Cytogenetic location: 3q27.1.
Variant type: single nucleotide variant.
Coding change: c.805C>G on transcript NM_003907.3 (MANE Select); coding-DNA position 805, C replaced by G.
Protein change: p.Arg269Gly; replaces arginine 269 with glycine.
Molecular consequence: missense variant.
Genome position (GRCh38, 1-based): chr3:184,140,119, C>G. VCF-style: chr3-184140119-C-G. GRCh37 (hg19) VCF-style: chr3-183857907-C-G.
Other names: short protein forms R269G.
Identifiers: ClinVar variation 1479566 (VCV001479566.8), dbSNP rs113994058, ClinGen allele CA88840902.